The following is an entry in ClinVar:

ClinVar aggregate classification (germline): Pathogenic (1 of 4 stars; one submission).

Submission:

GeneDx
Classification: Pathogenic. Last evaluated: 2016-08-25. Review status: criteria provided, single submitter. Criteria: GeneDx Variant Classification (06012015). Collection method: clinical testing. Allele origin: germline. Affected: yes.
Comment: The c.2849-2 A>G splice site variant in the PCDH19 gene destroys the canonical splice acceptor site in intron 5. It is predicted to cause abnormal gene splicing, either leading to an abnormal message that is subject to nonsense-mediated mRNA decay, or to an abnormal protein product if the message is used for protein translation. It was not observed in approximately 6,000 individuals of European and African American ancestry in the NHLBI Exome Sequencing Project, indicating it is not a common benign variant in these populations. Although this pathogenic variant has not been previously reported to our knowledge, other splice site variants have been reported in the Human Gene Mutation Database in association with PCDH19-related disorders (Stenson et al., 2014).

NM_001184880.2(PCDH19):c.2849-2A>G

Gene: PCDH19 (protocadherin 19; minus strand). Cytogenetic location: Xq22.1.
Variant type: single nucleotide variant.
Coding change: c.2849-2A>G on transcript NM_001184880.2 (MANE Select); the canonical splice acceptor site of the intron before coding-DNA position 2849, A replaced by G.
Molecular consequence: splice acceptor variant.
Genome position (GRCh38, 1-based): chrX:100,296,877, T>C on the plus strand (A>G on the coding strand, the complement: PCDH19 is on the minus strand). VCF-style: chrX-100296877-T-C. GRCh37 (hg19) VCF-style: chrX-99551875-T-C.
Other names: c.2705-2A>G (NM_020766.3); c.2708-2A>G (NM_001105243.2).
Identifiers: ClinVar variation 265682 (VCV000265682.2), dbSNP rs886039728, ClinGen allele CA10588729.